The following is an entry in ClinVar:

NM_020719.3(PRR12):c.715_725del (p.Arg239fs)

Gene: PRR12 (proline rich 12; plus strand). Cytogenetic location: 19q13.33.
Variant type: Deletion.
Coding change: c.715_725del on transcript NM_020719.3 (MANE Select); coding-DNA positions 715 to 725, 11 bases deleted (CGCCACCTCCC).
Protein change: p.Arg239fs; shifts the reading frame from arginine 239.
Molecular consequence: frameshift variant.
Genome position (GRCh38, 1-based): chr19:49,595,050-49,595,060, CGCCACCTCCC deleted. VCF-style (leftmost placement, unchanged base first): chr19-49595049-TCGCCACCTCCC-T. GRCh37 (hg19) VCF-style: chr19-50098306-TCGCCACCTCCC-T.
Other names: short protein forms R239fs.
Identifiers: ClinVar variation 3383033 (VCV003383033.2).

ClinVar aggregate classification (germline): Likely pathogenic (1 of 4 stars; one submission).

Conditions:
Neuroocular syndrome 1 (NOC1). Identifiers: Orphanet 659904, MedGen C5925133, MONDO:0971007, OMIM 619539.

Submission:

Juno Genomics, Hangzhou Juno Genomics, Inc
Classification: Likely pathogenic for Neuroocular syndrome 1. Review status: criteria provided, single submitter. Criteria: ACMG Guidelines, 2015. Collection method: clinical testing. Allele origin: germline. Affected: yes.
Comment: Absent from controls (or at extremely low frequency if recessive) in Genome Aggregation Database, Exome Sequencing Project, 1000 Genomes Project, or Exome Aggregation Consortium.;Null variant in a gene where loss of function (LOF) is a known mechanism of disease.